The following is an entry in ClinVar:

NM_001042492.3(NF1):c.3888T>G (p.Tyr1296Ter)

Gene: NF1 (neurofibromin 1; plus strand). Cytogenetic location: 17q11.2.
Variant type: single nucleotide variant.
Coding change: c.3888T>G on transcript NM_001042492.3 (MANE Select); coding-DNA position 3888, T replaced by G.
Protein change: p.Tyr1296Ter; replaces tyrosine 1296 with a stop codon.
Molecular consequence: nonsense.
Genome position (GRCh38, 1-based): chr17:31,235,935, T>G. VCF-style: chr17-31235935-T-G. GRCh37 (hg19) VCF-style: chr17-29562953-T-G.
Other names: c.3888T>G, p.Tyr1296Ter (NM_000267.4); short protein forms Y1296*.
Identifiers: ClinVar variation 1075772 (VCV001075772.34), dbSNP rs2151438526, ClinGen allele CA398993040.

ClinVar aggregate classification (germline): Pathogenic. Review status: criteria provided, multiple submitters, no conflicts (2 of 4 stars). 2 submissions from 2 submitters: Pathogenic (2). Last evaluated 2026-01-26.

Conditions:
Neurofibromatosis, type 1 (NF1). Also called: VON RECKLINGHAUSEN DISEASE; NEUROFIBROMATOSIS, TYPE I, SOMATIC; Peripheral type neurofibromatosis; Neurofibromatosis, type I. Identifiers: Orphanet 636, MedGen C0027831, MONDO:0018975, OMIM 162200. Disease mechanism: loss of function.

Submissions (2):

Labcorp Genetics (formerly Invitae), Labcorp
Classification: Pathogenic for Neurofibromatosis, type 1. Last evaluated: 2026-01-26. Review status: criteria provided, single submitter. Criteria: Invitae Variant Classification Sherloc (09022015). Collection method: clinical testing. Allele origin: germline.
Comment: This sequence change creates a premature translational stop signal (p.Tyr1296*) in the NF1 gene. It is expected to result in an absent or disrupted protein product. Loss-of-function variants in NF1 are known to be pathogenic (PMID: 10712197, 23913538). This variant is not present in population databases (gnomAD no frequency). This premature translational stop signal has been observed in individual(s) with clinical features of neurofibromatosis type 1 (PMID: 23913538). Invitae Evidence Modeling of clinical and family history, age, sex, and reported ancestry of multiple individuals with this NF1 variant has been performed. This variant is expected to be pathogenic with a positive predictive value of at least 99%. This is a validated machine learning model that incorporates the clinical features of 1,785,918 individuals referred to our laboratory for NF1 testing. ClinVar contains an entry for this variant (Variation ID: 1075772). For these reasons, this variant has been classified as Pathogenic.

CeGaT Center for Human Genetics Tuebingen
Classification: Pathogenic. Last evaluated: 2022-10-01. Review status: criteria provided, single submitter. Criteria: CeGaT Center For Human Genetics Tuebingen Variant Classification Criteria Version 2. Collection method: clinical testing. Allele origin: germline. Affected: yes. Observed: 1 variant allele.
Comment: NF1: PVS1, PM2, PP4, PS4:Supporting

Literature cited by the submitters: PubMed 10712197 (cited by Labcorp Genetics (formerly Invitae), Labcorp); PubMed 23913538 (cited by Labcorp Genetics (formerly Invitae), Labcorp).